The following is an entry in ClinVar:

ClinVar aggregate classification (germline): Benign/Likely benign. Review status: criteria provided, multiple submitters, no conflicts (2 of 4 stars). 6 submissions from 6 submitters: Benign (4); Likely benign (2). Last evaluated 2026-02-01.

Conditions:
Nephronophthisis. Also called: Juvenile Nephronophthisis. Identifiers: Orphanet 655, MedGen C0687120, MONDO:0019005, HP:0000090.
Senior-Loken syndrome 5 (SLSN5). Identifiers: Orphanet 3156, MedGen C1836517, MONDO:0012225, OMIM 609254.

Allele frequency attached by ClinVar (database versions not stated): gnomAD exomes 0.00096 and 0.00269; ExAC 0.00324; 1000 Genomes Project 30x 0.00703; 1000 Genomes Project 0.00739; gnomAD 0.01030 and 0.01125; TOPMed 0.01190; ESP Exome Variant Server 0.01322.
gnomAD v4.1: 3,015 of 1,608,856 alleles (0.19%); highest among the groups gnomAD compares: African/African-American, 3.6%; 44 homozygotes.

Submissions (6):

Labcorp Genetics (formerly Invitae), Labcorp
Classification: Benign for Nephronophthisis. Last evaluated: 2026-02-01. Review status: criteria provided, single submitter. Criteria: Invitae Variant Classification Sherloc (09022015). Collection method: clinical testing. Allele origin: germline.

Mayo Clinic Laboratories, Mayo Clinic
Classification: Benign. Last evaluated: 2023-10-11. Review status: criteria provided, single submitter. Criteria: ACMG Guidelines, 2015. Collection method: clinical testing. Allele origin: germline. Observed: 2 variant alleles.
Comment: BS1, BS2, BP1, BP4

Fulgent Genetics
Classification: Likely benign for Senior-Loken syndrome 5. Last evaluated: 2022-04-21. Review status: criteria provided, single submitter. Criteria: ACMG Guidelines, 2015. Collection method: clinical testing. Allele origin: unknown.

GeneDx
Classification: Likely benign. Last evaluated: 2021-11-14. Review status: criteria provided, single submitter. Criteria: GeneDx Variant Classification Process June 2021. Collection method: clinical testing. Allele origin: germline. Affected: yes.
Comment: See Variant Classification Assertion Criteria.

Breakthrough Genomics
Classification: Benign. Review status: criteria provided, single submitter. Criteria: ACMG Guidelines, 2015. Collection method: not provided. Allele origin: germline. Inheritance: Autosomal recessive inheritance. Affected: yes.

PreventionGenetics, part of Exact Sciences
Classification: Benign. Review status: criteria provided, single submitter. Criteria: ACMG Guidelines, 2015. Collection method: clinical testing. Allele origin: germline.

NM_001023570.4(IQCB1):c.424T>C (p.Phe142Leu)

Gene: IQCB1 (IQ motif containing B1; minus strand). Cytogenetic location: 3q13.33.
Variant type: single nucleotide variant.
Coding change: c.424T>C on transcript NM_001023570.4 (MANE Select); coding-DNA position 424, T replaced by C.
Protein change: p.Phe142Leu; replaces phenylalanine 142 with leucine.
Molecular consequence: missense variant. On other transcripts: non-coding transcript variant (1).
Genome position (GRCh38, 1-based): chr3:121,808,979, A>G on the plus strand (T>C on the coding strand, the complement: IQCB1 is on the minus strand). VCF-style: chr3-121808979-A-G. GRCh37 (hg19) VCF-style: chr3-121527826-A-G.
Other names: c.424T>C, p.Phe142Leu (NM_001023571.4, NM_001319107.2); short protein forms F142L.
Identifiers: ClinVar variation 219982 (VCV000219982.16), dbSNP rs11926958, ClinGen allele CA348142.